The following is an entry in ClinVar:

NM_001001557.4(GDF6):c.457T>C (p.Ser153Pro)

Gene: GDF6 (growth differentiation factor 6; minus strand). Cytogenetic location: 8q22.1.
Variant type: single nucleotide variant.
Coding change: c.457T>C on transcript NM_001001557.4 (MANE Select); coding-DNA position 457, T replaced by C.
Protein change: p.Ser153Pro; replaces serine 153 with proline.
Molecular consequence: missense variant.
Genome position (GRCh38, 1-based): chr8:96,145,474, A>G on the plus strand (T>C on the coding strand, the complement: GDF6 is on the minus strand). VCF-style: chr8-96145474-A-G. GRCh37 (hg19) VCF-style: chr8-97157702-A-G.
Other names: short protein forms S153P.
Identifiers: ClinVar variation 1384796 (VCV001384796.6), dbSNP rs1470026888, ClinGen allele CA371752804.

ClinVar aggregate classification (germline): Uncertain significance (1 of 4 stars; one submission).

Conditions:
Isolated microphthalmia 4. Identifiers: Orphanet 2542, MedGen C2751307, MONDO:0013130, OMIM 613094.
Microphthalmia, isolated, with coloboma 6 (MCOPCB6). Also called: Microphthalmia with coloboma 6, digenic; Microphthalmia with coloboma 6; MICROPHTHALMIA/COLOBOMA 6. Identifiers: Orphanet 98938, MedGen C3150968, MONDO:0013376, OMIM 613703.
Leber congenital amaurosis 17 (LCA17). Identifiers: Orphanet 65, MedGen C3715164, MONDO:0014145, OMIM 615360.
Klippel-Feil syndrome 1, autosomal dominant (KFS1). Also called: CERVICAL VERTEBRAL FUSION, AUTOSOMAL DOMINANT. Identifiers: Orphanet 2345, MedGen C1861689, MONDO:0007306, OMIM 118100.

Submission:

Labcorp Genetics (formerly Invitae), Labcorp
Classification: Uncertain significance for Isolated microphthalmia 4; Leber congenital amaurosis 17; Klippel-Feil syndrome 1, autosomal dominant; Microphthalmia, isolated, with coloboma 6. Last evaluated: 2025-03-31. Review status: criteria provided, single submitter. Criteria: Invitae Variant Classification Sherloc (09022015). Collection method: clinical testing. Allele origin: germline.
Comment: This sequence change replaces serine, which is neutral and polar, with proline, which is neutral and non-polar, at codon 153 of the GDF6 protein (p.Ser153Pro). This variant is not present in population databases (gnomAD no frequency). This variant has not been reported in the literature in individuals affected with GDF6-related conditions. ClinVar contains an entry for this variant (Variation ID: 1384796). Invitae Evidence Modeling of protein sequence and biophysical properties (such as structural, functional, and spatial information, amino acid conservation, physicochemical variation, residue mobility, and thermodynamic stability) has been performed for this missense variant. However, the output from this modeling did not meet the statistical confidence thresholds required to predict the impact of this variant on GDF6 protein function. In summary, the available evidence is currently insufficient to determine the role of this variant in disease. Therefore, it has been classified as a Variant of Uncertain Significance.